The following is an entry in ClinVar:

ClinVar aggregate classification (germline): Uncertain significance (1 of 4 stars; one submission).

gnomAD v4.1: 1 of 1,613,662 alleles (0.000062%); no homozygotes.

Submission:

Labcorp Genetics (formerly Invitae), Labcorp
Classification: Uncertain significance. Last evaluated: 2023-09-05. Review status: criteria provided, single submitter. Criteria: Invitae Variant Classification Sherloc (09022015). Collection method: clinical testing. Allele origin: germline.
Comment: In summary, the available evidence is currently insufficient to determine the role of this variant in disease. Therefore, it has been classified as a Variant of Uncertain Significance. Advanced modeling of protein sequence and biophysical properties (such as structural, functional, and spatial information, amino acid conservation, physicochemical variation, residue mobility, and thermodynamic stability) performed at Invitae indicates that this missense variant is not expected to disrupt CFHR5 protein function. This variant has not been reported in the literature in individuals affected with CFHR5-related conditions. This variant is not present in population databases (gnomAD no frequency). This sequence change replaces isoleucine, which is neutral and non-polar, with threonine, which is neutral and polar, at codon 180 of the CFHR5 protein (p.Ile180Thr).

NM_030787.4(CFHR5):c.539T>C (p.Ile180Thr)

Gene: CFHR5 (complement factor H related 5; plus strand). Cytogenetic location: 1q31.3.
Variant type: single nucleotide variant.
Coding change: c.539T>C on transcript NM_030787.4 (MANE Select); coding-DNA position 539, T replaced by C.
Protein change: p.Ile180Thr; replaces isoleucine 180 with threonine.
Molecular consequence: missense variant.
Genome position (GRCh38, 1-based): chr1:196,994,188, T>C. VCF-style: chr1-196994188-T-C. GRCh37 (hg19) VCF-style: chr1-196963318-T-C.
Other names: short protein forms I180T.
Identifiers: ClinVar variation 3000819 (VCV003000819.3), dbSNP rs2526942358, ClinGen allele CA344003378.